The following is an entry in ClinVar:

ClinVar aggregate classification (germline): Uncertain significance (1 of 4 stars; one submission).

Conditions:
Intellectual developmental disorder, autosomal dominant 1. Also called: Intellectual disability, autosomal dominant 1; MBD5 Haploinsufficiency. Identifiers: Orphanet 228402, MedGen C1969562, MONDO:0007974, OMIM 156200.

Submission:

Labcorp Genetics (formerly Invitae), Labcorp
Classification: Uncertain significance for Intellectual developmental disorder, autosomal dominant 1. Last evaluated: 2024-03-21. Review status: criteria provided, single submitter. Criteria: Invitae Variant Classification Sherloc (09022015). Collection method: clinical testing. Allele origin: germline.
Comment: This sequence change replaces threonine, which is neutral and polar, with proline, which is neutral and non-polar, at codon 543 of the MBD5 protein (p.Thr543Pro). This variant is not present in population databases (gnomAD no frequency). This variant has not been reported in the literature in individuals affected with MBD5-related conditions. ClinVar contains an entry for this variant (Variation ID: 962374). Advanced modeling of protein sequence and biophysical properties (such as structural, functional, and spatial information, amino acid conservation, physicochemical variation, residue mobility, and thermodynamic stability) performed at Invitae indicates that this missense variant is not expected to disrupt MBD5 protein function with a negative predictive value of 80%. In summary, the available evidence is currently insufficient to determine the role of this variant in disease. Therefore, it has been classified as a Variant of Uncertain Significance.

NM_001378120.1(MBD5):c.1627A>C (p.Thr543Pro)

Gene: MBD5 (methyl-CpG binding domain protein 5; plus strand). Cytogenetic location: 2q23.1.
Variant type: single nucleotide variant.
Coding change: c.1627A>C on transcript NM_001378120.1 (MANE Select); coding-DNA position 1627, A replaced by C.
Protein change: p.Thr543Pro; replaces threonine 543 with proline.
Molecular consequence: missense variant.
Genome position (GRCh38, 1-based): chr2:148,469,570, A>C. VCF-style: chr2-148469570-A-C. GRCh37 (hg19) VCF-style: chr2-149227139-A-C.
Other names: c.1627A>C, p.Thr543Pro (NM_018328.5); short protein forms T543P.
Identifiers: ClinVar variation 962374 (VCV000962374.10), dbSNP rs1414607857, ClinGen allele CA348720087.